The following is an entry in ClinVar:

NM_001164277.2(SLC37A4):c.989G>A (p.Trp330Ter)

Gene: SLC37A4 (solute carrier family 37 member 4; minus strand). Cytogenetic location: 11q23.3.
Variant type: single nucleotide variant.
Coding change: c.989G>A on transcript NM_001164277.2 (MANE Select); coding-DNA position 989, G replaced by A.
Protein change: p.Trp330Ter; replaces tryptophan 330 with a stop codon.
Molecular consequence: nonsense.
Genome position (GRCh38, 1-based): chr11:119,025,325, C>T on the plus strand (G>A on the coding strand, the complement: SLC37A4 is on the minus strand). VCF-style: chr11-119025325-C-T. GRCh37 (hg19) VCF-style: chr11-118896035-C-T.
Other names: c.1055G>A, p.Trp352Ter (NM_001164278.2); c.770G>A, p.Trp257Ter (NM_001164279.2); c.989G>A, p.Trp330Ter (NM_001164280.2, NM_001467.6); short protein forms W330*, W352*, W257*.
Identifiers: ClinVar variation 2701036 (VCV002701036.3), dbSNP rs782282206, ClinGen allele CA382896443.
Genomic context (GRCh38, chr11:119,025,325, plus strand): 5'-CCAAACAGGGCAATGGGGCCATACGAGGAGAAACCAAATACAGCTCCCAATACCAGGATC[C>T]AGAGCTGCCAAGGGCAGAGTGGAGTGGCATTCAGAGTCGGAAAGCCGACCTGCCTACCCA-3'

ClinVar aggregate classification (germline): Pathogenic (1 of 4 stars; one submission).

Conditions:
Glucose-6-phosphate transport defect (GSD1B). Also called: Glycogen Storage Disease Type Ib; GSD Ib. Identifiers: Orphanet 364, Orphanet 79259, MedGen C0268146, MONDO:0009288, OMIM 232220.

Submission:

Labcorp Genetics (formerly Invitae), Labcorp
Classification: Pathogenic for Glucose-6-phosphate transport defect. Last evaluated: 2023-12-10. Review status: criteria provided, single submitter. Criteria: Invitae Variant Classification Sherloc (09022015). Collection method: clinical testing. Allele origin: germline.
Comment: This sequence change creates a premature translational stop signal (p.Trp330*) in the SLC37A4 gene. It is expected to result in an absent or disrupted protein product. Loss-of-function variants in SLC37A4 are known to be pathogenic (PMID: 9758626, 10940311). This variant is not present in population databases (gnomAD no frequency). This variant has not been reported in the literature in individuals affected with SLC37A4-related conditions. For these reasons, this variant has been classified as Pathogenic.

Literature cited by the submitters: PubMed 9758626; PubMed 10940311.